The following is an entry in ClinVar:

ClinVar aggregate classification (germline): Uncertain significance (1 of 4 stars; one submission).

Conditions:
Kleefstra syndrome 1 (KLEFS1). Identifiers: Orphanet 261494, MedGen C0795833, MONDO:0027407, OMIM 610253.

gnomAD v4.1: 1 of 1,612,598 alleles (0.000062%); highest among the groups gnomAD compares: Admixed American, 0.0017%; no homozygotes.

Submission:

Labcorp Genetics (formerly Invitae), Labcorp
Classification: Uncertain significance for Kleefstra syndrome 1. Last evaluated: 2025-11-25. Review status: criteria provided, single submitter. Criteria: Invitae Variant Classification Sherloc (09022015). Collection method: clinical testing. Allele origin: germline.
Comment: This sequence change replaces proline, which is neutral and non-polar, with serine, which is neutral and polar, at codon 192 of the EHMT1 protein (p.Pro192Ser). This variant is not present in population databases (gnomAD no frequency). This variant has not been reported in the literature in individuals affected with EHMT1-related conditions. Invitae Evidence Modeling of protein sequence and biophysical properties (such as structural, functional, and spatial information, amino acid conservation, physicochemical variation, residue mobility, and thermodynamic stability) indicates that this missense variant is not expected to disrupt EHMT1 protein function with a negative predictive value of 80%. In summary, the available evidence is currently insufficient to determine the role of this variant in disease. Therefore, it has been classified as a Variant of Uncertain Significance.

NM_024757.5(EHMT1):c.574C>T (p.Pro192Ser)

Gene: EHMT1 (euchromatic histone lysine methyltransferase 1; plus strand). Cytogenetic location: 9q34.3.
Variant type: single nucleotide variant.
Coding change: c.574C>T on transcript NM_024757.5 (MANE Select); coding-DNA position 574, C replaced by T.
Protein change: p.Pro192Ser; replaces proline 192 with serine.
Molecular consequence: missense variant.
Genome position (GRCh38, 1-based): chr9:137,717,114, C>T. VCF-style: chr9-137717114-C-T. GRCh37 (hg19) VCF-style: chr9-140611566-C-T.
Other names: c.574C>T, p.Pro192Ser (NM_001145527.2, NM_001354263.2, NM_001354611.2); c.481C>T, p.Pro161Ser (NM_001354259.2, NM_001354612.2); short protein forms P161S, P192S.
Identifiers: ClinVar variation 4778180 (VCV004778180.1).